The following is an entry in ClinVar:

ClinVar aggregate classification (germline): Uncertain significance. Review status: criteria provided, single submitter (1 of 4 stars). 2 submissions from 2 submitters: Uncertain significance (1). 1 of the submissions does not count toward it. Last evaluated 2025-09-05.

Conditions:
ESR2-related disorder. Also called: ESR2-related condition.

Submissions (2):

Ambry Genetics
Classification: Uncertain significance. Last evaluated: 2025-09-05. Review status: criteria provided, single submitter. Criteria: Ambry Variant Classification Scheme 2023. Collection method: clinical testing. Allele origin: germline.

PreventionGenetics, part of Exact Sciences
Classification: Uncertain significance for ESR2-related condition. Last evaluated: 2024-03-14. Review status: no assertion criteria provided. Collection method: clinical testing. Allele origin: germline. Not counted in ClinVar's aggregate classification.
Comment: The ESR2 c.1318G>T variant is predicted to result in the amino acid substitution p.Val440Leu. To our knowledge, this variant has not been reported in the literature or in a large population database, indicating this variant is rare. At this time, the clinical significance of this variant is uncertain due to the absence of conclusive functional and genetic evidence.

NM_001437.3(ESR2):c.1318G>T (p.Val440Leu)

Gene: ESR2 (estrogen receptor 2; minus strand). Cytogenetic location: 14q23.2.
Variant type: single nucleotide variant.
Coding change: c.1318G>T on transcript NM_001437.3 (MANE Select); coding-DNA position 1318, G replaced by T.
Protein change: p.Val440Leu; replaces valine 440 with leucine.
Molecular consequence: missense variant. On other transcripts: non-coding transcript variant (2).
Genome position (GRCh38, 1-based): chr14:64,235,058, C>A on the plus strand (G>T on the coding strand, the complement: ESR2 is on the minus strand). VCF-style: chr14-64235058-C-A. GRCh37 (hg19) VCF-style: chr14-64701776-C-A.
Other names: c.1318G>T, p.Val440Leu (NM_001040275.1, NM_001214902.1, NM_001271876.1 and 2 more transcripts); c.1045G>T, p.Val349Leu (NM_001271877.1); short protein forms V349L, V440L.
Identifiers: ClinVar variation 3349379 (VCV003349379.2).